The following is an entry in ClinVar:

NM_152383.5(DIS3L2):c.2277T>C (p.Ala759=)

Gene: DIS3L2 (DIS3 like 3'-5' exoribonuclease 2; plus strand). Cytogenetic location: 2q37.1.
Variant type: single nucleotide variant.
Coding change: c.2277T>C on transcript NM_152383.5 (MANE Select); coding-DNA position 2277, T replaced by C.
Protein change: p.Ala759=; no amino-acid change (alanine 759 retained).
Molecular consequence: synonymous variant. On other transcripts: non-coding transcript variant (2), intron variant (1).
Genome position (GRCh38, 1-based): chr2:232,334,487, T>C. VCF-style: chr2-232334487-T-C. GRCh37 (hg19) VCF-style: chr2-233199197-T-C.
Other names: c.1582-8858T>C (NM_001257281.2).
Identifiers: ClinVar variation 463101 (VCV000463101.31), dbSNP rs2678530, ClinGen allele CA2164471.

ClinVar aggregate classification (germline): Likely benign. Review status: criteria provided, multiple submitters, no conflicts (2 of 4 stars). 3 submissions from 3 submitters: Likely benign (2). 1 of the submissions does not count toward it. Last evaluated 2025-11-10.

Conditions:
Perlman syndrome (PRLMNS). Identifiers: Orphanet 2849, MedGen C0796113, MONDO:0009965, OMIM 267000.
DIS3L2-related disorder. Also called: DIS3L2-related condition.

Allele frequency attached by ClinVar (database versions not stated): TOPMed 0.00003; gnomAD exomes 0.00004 and 0.00008; ExAC 0.00006.

Submissions (3):

Labcorp Genetics (formerly Invitae), Labcorp
Classification: Likely benign for Perlman syndrome. Last evaluated: 2025-11-10. Review status: criteria provided, single submitter. Criteria: Invitae Variant Classification Sherloc (09022015). Collection method: clinical testing. Allele origin: germline.

CeGaT Center for Human Genetics Tuebingen
Classification: Likely benign. Last evaluated: 2025-10-01. Review status: criteria provided, single submitter. Criteria: CeGaT Center For Human Genetics Tuebingen Variant Classification Criteria Version 2. Collection method: clinical testing. Allele origin: germline. Affected: yes. Observed: 2 variant alleles.
Comment: DIS3L2: BP4, BP7

PreventionGenetics, part of Exact Sciences
Classification: Likely benign for DIS3L2-related condition. Last evaluated: 2021-07-09. Review status: no assertion criteria provided. Collection method: clinical testing. Allele origin: germline. Not counted in ClinVar's aggregate classification.
Comment: This variant is classified as likely benign based on ACMG/AMP sequence variant interpretation guidelines (Richards et al. 2015 PMID: 25741868, with internal and published modifications).